The following is an entry in ClinVar:

ClinVar aggregate classification (germline): Uncertain significance. Review status: criteria provided, multiple submitters, no conflicts (2 of 4 stars). 2 submissions from 2 submitters: Uncertain significance (2). Last evaluated 2025-09-24.

Conditions:
Coffin-Siris syndrome. Identifiers: Orphanet 1465, MedGen C0265338, MONDO:0015452.

gnomAD v4.1: 17 of 1,614,086 alleles (0.0011%); highest among the groups gnomAD compares: Non-Finnish European, 0.0014%; no homozygotes.

Submissions (2):

Women's Health and Genetics/Laboratory Corporation of America, LabCorp
Classification: Uncertain significance. Last evaluated: 2025-09-24. Review status: criteria provided, single submitter. Criteria: LabCorp Variant Classification Summary - May 2015. Collection method: clinical testing. Allele origin: germline.
Comment: Variant summary: ARID1A c.3902G>A (p.Ser1301Asn) results in a conservative amino acid change in the encoded protein sequence. Algorithms developed to predict the effect of missense changes on protein structure and function are either unavailable or do not agree on the potential impact of this missense change. The variant allele was found at a frequency of 4e-06 in 251438 control chromosomes. The available data on variant occurrences in the general population are insufficient to allow any conclusion about variant significance. To our knowledge, no occurrence of c.3902G>A in individuals affected with ARID1A-related conditions and no experimental evidence demonstrating its impact on protein function have been reported. ClinVar contains an entry for this variant (Variation ID: 3779980). Based on the evidence outlined above, the variant was classified as uncertain significance.

Department of Pathology and Laboratory Medicine, Sinai Health System
Classification: Uncertain significance for Coffin-Siris syndrome. Last evaluated: 2021-07-30. Review status: criteria provided, single submitter. Criteria: ACMG Guidelines, 2015. Collection method: research. Allele origin: germline.

NM_006015.6(ARID1A):c.3902G>A (p.Ser1301Asn)

Gene: ARID1A (AT-rich interaction domain 1A; plus strand). Cytogenetic location: 1p36.11.
Variant type: single nucleotide variant.
Coding change: c.3902G>A on transcript NM_006015.6 (MANE Select); coding-DNA position 3902, G replaced by A.
Protein change: p.Ser1301Asn; replaces serine 1301 with asparagine.
Molecular consequence: missense variant.
Genome position (GRCh38, 1-based): chr1:26,773,615, G>A. VCF-style: chr1-26773615-G-A. GRCh37 (hg19) VCF-style: chr1-27100106-G-A.
Other names: c.3902G>A, p.Ser1301Asn (NM_139135.4); short protein forms S1301N.
Identifiers: ClinVar variation 3779980 (VCV003779980.2).